The following is an entry in ClinVar:

NM_020750.3(XPO5):c.661T>C (p.Cys221Arg)

Gene: XPO5 (exportin 5; minus strand). Cytogenetic location: 6p21.1.
Variant type: single nucleotide variant.
Coding change: c.661T>C on transcript NM_020750.3 (MANE Select); coding-DNA position 661, T replaced by C.
Protein change: p.Cys221Arg; replaces cysteine 221 with arginine.
Molecular consequence: missense variant. On other transcripts: non-coding transcript variant (1).
Genome position (GRCh38, 1-based): chr6:43,567,342, A>G on the plus strand (T>C on the coding strand, the complement: XPO5 is on the minus strand). VCF-style: chr6-43567342-A-G. GRCh37 (hg19) VCF-style: chr6-43535079-A-G.
Other names: short protein forms C221R.
Identifiers: ClinVar variation 2075839 (VCV002075839.5), dbSNP rs553233595, ClinGen allele CA3826641.

ClinVar aggregate classification (germline): Uncertain significance. Review status: criteria provided, multiple submitters, no conflicts (2 of 4 stars). 2 submissions from 2 submitters: Uncertain significance (2). Last evaluated 2025-09-03.

Allele frequency attached by ClinVar (database versions not stated): gnomAD exomes 0.00001; ExAC 0.00002; gnomAD 0.00003; TOPMed 0.00010; 1000 Genomes Project 30x 0.00016; 1000 Genomes Project 0.00020.
gnomAD v4.1: 15 of 1,605,410 alleles (0.00093%); highest among the groups gnomAD compares: Admixed American, 0.017%; no homozygotes.

Submissions (2):

Labcorp Genetics (formerly Invitae), Labcorp
Classification: Uncertain significance. Last evaluated: 2025-09-03. Review status: criteria provided, single submitter. Criteria: Invitae Variant Classification Sherloc (09022015). Collection method: clinical testing. Allele origin: germline.
Comment: This sequence change replaces cysteine, which is neutral and slightly polar, with arginine, which is basic and polar, at codon 221 of the XPO5 protein (p.Cys221Arg). This variant is present in population databases (rs553233595, gnomAD 0.01%). This variant has not been reported in the literature in individuals affected with XPO5-related conditions. ClinVar contains an entry for this variant (Variation ID: 2075839). An algorithm developed to predict the effect of missense changes on protein structure and function (PolyPhen-2) suggests that this variant is likely to be disruptive. In summary, the available evidence is currently insufficient to determine the role of this variant in disease. Therefore, it has been classified as a Variant of Uncertain Significance.

Ambry Genetics
Classification: Uncertain significance. Last evaluated: 2021-08-02. Review status: criteria provided, single submitter. Criteria: Ambry Variant Classification Scheme 2023. Collection method: clinical testing. Allele origin: germline.